The following is an entry in ClinVar:

ClinVar aggregate classification (germline): Uncertain significance (1 of 4 stars; one submission).

Conditions:
Familial adenomatous polyposis 1 (FAP1). Also called: FAMILIAL ADENOMATOUS POLYPOSIS 1, ATTENUATED; POLYPOSIS, ADENOMATOUS INTESTINAL. Identifiers: MedGen C2713442, MONDO:0021056, OMIM 175100. Disease mechanism: loss of function.

Submission:

Labcorp Genetics (formerly Invitae), Labcorp
Classification: Uncertain significance for Familial adenomatous polyposis 1. Last evaluated: 2017-11-08. Review status: criteria provided, single submitter. Criteria: Invitae Variant Classification Sherloc (09022015). Collection method: clinical testing. Allele origin: germline.
Comment: Experimental studies and prediction algorithms are not available for this variant, and the functional significance of the disrupted amino acids is currently unknown. In summary, the available evidence is currently insufficient to determine the role of this variant in disease. Therefore, it has been classified as a Variant of Uncertain Significance. This variant has not been reported in the literature in individuals with APC-related disease. This variant is not present in population databases (ExAC no frequency). This sequence change results in a premature translational stop signal in the APC gene (p.Ser2768Asnfs*13). While this is not anticipated to result in nonsense mediated decay, it is expected to disrupt the last 76 amino acids of the APC protein.

NM_000038.6(APC):c.8303_8306del (p.Ser2768fs)

Gene: APC (APC regulator of Wnt signaling pathway; plus strand). Cytogenetic location: 5q22.2.
Variant type: Deletion.
Coding change: c.8303_8306del on transcript NM_000038.6 (MANE Select); coding-DNA positions 8303 to 8306, 4 bases deleted (GCAA; older notation c.8303_8306delGCAA).
Protein change: p.Ser2768fs; shifts the reading frame from serine 2768.
Molecular consequence: frameshift variant.
Genome position (GRCh38, 1-based): chr5:112,843,897-112,843,900, GCAA deleted; deleting any 4 consecutive bases within chr5:112,843,894-112,843,900 gives the same sequence; the c. name uses the placement nearest the transcript's 3' end. VCF-style (leftmost placement, unchanged base first): chr5-112843893-TCAAG-T. GRCh37 (hg19) VCF-style: chr5-112179590-TCAAG-T.
Other names: c.8303_8306del, p.Ser2768fs (NM_001127510.3, NM_001354895.2); c.8249_8252del, p.Ser2750fs (NM_001127511.3); c.8357_8360del, p.Ser2786fs (NM_001354896.2); c.8333_8336del, p.Ser2778fs (NM_001354897.2); c.8228_8231del, p.Ser2743fs (NM_001354898.2); c.8219_8222del, p.Ser2740fs (NM_001354899.2); c.8180_8183del, p.Ser2727fs (NM_001354900.2); c.8126_8129del, p.Ser2709fs (NM_001354901.2); and 5 more; short protein forms S2786fs, S2667fs, S2727fs, S2743fs, S2750fs, S2485fs, S2709fs, S2608fs.
Identifiers: ClinVar variation 537565 (VCV000537565.10), dbSNP rs1554089054, ClinGen allele CA658796575.